The following is an entry in ClinVar:

NM_001127222.2(CACNA1A):c.7160G>A (p.Gly2387Glu)

Gene: CACNA1A (calcium voltage-gated channel subunit alpha1 A; minus strand). Cytogenetic location: 19p13.13.
Variant type: single nucleotide variant.
Coding change: c.7160G>A on transcript NM_001127222.2 (MANE Select); coding-DNA position 7160, G replaced by A.
Protein change: p.Gly2387Glu; replaces glycine 2387 with glutamic acid.
Molecular consequence: missense variant. On other transcripts: 3 prime UTR variant (3).
Genome position (GRCh38, 1-based): chr19:13,207,674, C>T on the plus strand (G>A on the coding strand, the complement: CACNA1A is on the minus strand). VCF-style: chr19-13207674-C-T. GRCh37 (hg19) VCF-style: chr19-13318488-C-T.
Other names: c.*372G>A (NM_000068.4, NM_001127221.2, NM_001174080.2); c.7178G>A, p.Gly2393Glu (NM_023035.3); short protein forms G2387E, G2393E.
Identifiers: ClinVar variation 1309655 (VCV001309655.2), dbSNP rs1175823781, ClinGen allele CA404327994.
Genomic context (GRCh38, chr19:13,207,674, plus strand): 5'-TGGTGCCGGGGACCCGGGGGCCCCTCGGACACGTGCGGGCCAGATGCCGGCCACCGGGCC[C>T]CGCCGTGTCGACAGGCCCTGGGGGACTCGCTCCGGGCCGGGCCTGGGACCCGCCTCTCCA-3'
Protein context (NP_001120694.1, residues 2377-2397): SESPRACRHG[Gly2387Glu]ARWPASGPHV

ClinVar aggregate classification (germline): Uncertain significance (1 of 4 stars; one submission).

Allele frequency attached by ClinVar (database versions not stated): gnomAD exomes below 0.00001 and 0.00003; TOPMed below 0.00001; gnomAD 0.00001; 1000 Genomes Project 30x 0.00016.
gnomAD v4.1: 4 of 1,431,322 alleles (0.00028%); highest among the groups gnomAD compares: East Asian, 0.0092%; no homozygotes.

Submission:

GeneDx
Classification: Uncertain significance. Last evaluated: 2020-07-20. Review status: criteria provided, single submitter. Criteria: GeneDx Variant Classification Process June 2021. Collection method: clinical testing. Allele origin: germline. Affected: yes.
Comment: In silico analysis supports that this missense variant does not alter protein structure/function; This variant is associated with the following publications: (PMID: 30945278)